The following is an entry in ClinVar:

NM_002890.3(RASA1):c.2944G>A (p.Asp982Asn)

Genes: CCNH (cyclin H; minus strand), RASA1 (RAS p21 protein activator 1; plus strand). Cytogenetic location: 5q14.3.
Variant type: single nucleotide variant.
Coding change: c.2944G>A on transcript NM_002890.3 (MANE Select); coding-DNA position 2944, G replaced by A.
Protein change: p.Asp982Asn; replaces aspartic acid 982 with asparagine.
Molecular consequence: missense variant. On other transcripts: intron variant (1).
Genome position (GRCh38, 1-based): chr5:87,389,411, G>A. VCF-style: chr5-87389411-G-A. GRCh37 (hg19) VCF-style: chr5-86685228-G-A.
Other names: c.2413G>A, p.Asp805Asn (NM_022650.3); c.933+5633C>T (NM_001364075.2); short protein forms D805N, D982N.
Identifiers: ClinVar variation 4719833 (VCV004719833.1).

ClinVar aggregate classification (germline): Uncertain significance (1 of 4 stars; one submission).

Conditions:
Capillary malformation-arteriovenous malformation syndrome. Also called: Capillary malformation-arteriovenous malformation. Identifiers: Orphanet 137667, MedGen C1842180, MONDO:0012016.

gnomAD v4.1: 11 of 1,614,114 alleles (0.00068%); highest among the groups gnomAD compares: Non-Finnish European, 0.00093%; no homozygotes.

Submission:

Labcorp Genetics (formerly Invitae), Labcorp
Classification: Uncertain significance for Capillary malformation-arteriovenous malformation syndrome. Last evaluated: 2025-05-19. Review status: criteria provided, single submitter. Criteria: Invitae Variant Classification Sherloc (09022015). Collection method: clinical testing. Allele origin: germline.
Comment: This sequence change replaces aspartic acid, which is acidic and polar, with asparagine, which is neutral and polar, at codon 982 of the RASA1 protein (p.Asp982Asn). This variant is not present in population databases (gnomAD no frequency). This variant has not been reported in the literature in individuals affected with RASA1-related conditions. An algorithm developed to predict the effect of missense changes on protein structure and function (PolyPhen-2) suggests that this variant is likely to be tolerated. In summary, the available evidence is currently insufficient to determine the role of this variant in disease. Therefore, it has been classified as a Variant of Uncertain Significance.